The following is an entry in ClinVar:

NM_020533.3(MCOLN1):c.1279C>T (p.Arg427Cys)

Gene: MCOLN1 (mucolipin TRP cation channel 1; plus strand). Cytogenetic location: 19p13.2.
Variant type: single nucleotide variant.
Coding change: c.1279C>T on transcript NM_020533.3 (MANE Select); coding-DNA position 1279, C replaced by T.
Protein change: p.Arg427Cys; replaces arginine 427 with cysteine.
Molecular consequence: missense variant.
Genome position (GRCh38, 1-based): chr19:7,529,632, C>T. VCF-style: chr19-7529632-C-T. GRCh37 (hg19) VCF-style: chr19-7594518-C-T.
Other names: short protein forms R427C.
Identifiers: ClinVar variation 452577 (VCV000452577.7), dbSNP rs773102399, ClinGen allele CA9139111.

ClinVar aggregate classification (germline): Uncertain significance. Review status: criteria provided, multiple submitters, no conflicts (2 of 4 stars). 3 submissions from 3 submitters: Uncertain significance (2). 1 of the submissions does not count toward it. Last evaluated 2022-08-16.

Conditions:
Inborn genetic diseases. Identifiers: MedGen C0950123, MeSH D030342.
Mucolipidosis type IV (ML4). Also called: ML IV. Identifiers: Orphanet 578, MedGen C0238286, MONDO:0009653, OMIM 252650.

Allele frequency attached by ClinVar (database versions not stated): ExAC 0.00001; gnomAD exomes 0.00001; TOPMed 0.00002; gnomAD 0.00003.
gnomAD v4.1: 18 of 1,613,938 alleles (0.0011%); highest among the groups gnomAD compares: Admixed American, 0.005%; no homozygotes.

Submissions (3):

Ambry Genetics
Classification: Uncertain significance for Inborn genetic diseases. Last evaluated: 2022-08-16. Review status: criteria provided, single submitter. Criteria: Ambry Variant Classification Scheme 2023. Collection method: clinical testing. Allele origin: germline.
Comment: The p.R427C variant (also known as c.1279C>T), located in coding exon 11 of the MCOLN1 gene, results from a C to T substitution at nucleotide position 1279. The arginine at codon 427 is replaced by cysteine, an amino acid with highly dissimilar properties. This amino acid position is conserved. In addition, this alteration is predicted to be deleterious by in silico analysis. Since supporting evidence is limited at this time, the clinical significance of this alteration remains unclear.

GeneDx
Classification: Uncertain significance. Last evaluated: 2021-08-29. Review status: criteria provided, single submitter. Criteria: GeneDx Variant Classification Process June 2021. Collection method: clinical testing. Allele origin: germline. Affected: yes.
Comment: Not observed at significant frequency in large population cohorts (Lek et al., 2016); In silico analysis supports that this missense variant has a deleterious effect on protein structure/function; Has not been previously published as pathogenic or benign to our knowledge; This variant is associated with the following publications: (PMID: 27535533)

Natera, Inc.
Classification: Uncertain significance for Mucolipidosis type IV. Last evaluated: 2019-01-14. Review status: no assertion criteria provided. Collection method: clinical testing. Allele origin: germline. Not counted in ClinVar's aggregate classification.